The following is an entry in ClinVar:

NM_001040616.3(LINS1):c.1222G>A (p.Val408Ile)

Gene: LINS1 (lines homolog 1; minus strand). Cytogenetic location: 15q26.3.
Variant type: single nucleotide variant.
Coding change: c.1222G>A on transcript NM_001040616.3 (MANE Select); coding-DNA position 1222, G replaced by A.
Protein change: p.Val408Ile; replaces valine 408 with isoleucine.
Molecular consequence: missense variant. On other transcripts: non-coding transcript variant (3).
Genome position (GRCh38, 1-based): chr15:100,573,651, C>T on the plus strand (G>A on the coding strand, the complement: LINS1 is on the minus strand). VCF-style: chr15-100573651-C-T. GRCh37 (hg19) VCF-style: chr15-101113856-C-T.
Other names: c.475G>A, p.Val159Ile (NM_001352507.2); c.1177G>A, p.Glu393Lys (NM_001352508.2); short protein forms V408I, E393K, V159I.
Identifiers: ClinVar variation 588423 (VCV000588423.5), dbSNP rs1273162899, ClinGen allele CA393935229.

ClinVar aggregate classification (germline): Uncertain significance (1 of 4 stars; one submission).

Conditions:
Inborn genetic diseases. Identifiers: MedGen C0950123, MeSH D030342.

Allele frequency attached by ClinVar (database versions not stated): gnomAD 0.00001; gnomAD exomes below 0.00001; TOPMed below 0.00001.
gnomAD v4.1: 9 of 1,555,910 alleles (0.00058%); highest among the groups gnomAD compares: Non-Finnish European, 0.00071%; no homozygotes.

Submission:

Ambry Genetics
Classification: Uncertain significance for Inborn genetic diseases. Last evaluated: 2016-11-11. Review status: criteria provided, single submitter. Criteria: Ambry Variant Classification Scheme 2023. Collection method: clinical testing. Allele origin: germline.
Comment: The c.1222G>A variant (also known as p.V408I), located in coding exon 4 of the LINS gene, results from a G to A substitution at nucleotide position 1222. The amino acid change results in valine to isoleucine at codon 408, an amino acid with highly similar properties. However, this change occurs in the last base pair of coding exon 4, which makes it likely to have some effect on normal mRNA splicing. This variant was not reported in population based cohorts in the following databases: Database of Single Nucleotide Polymorphisms (dbSNP), NHLBI Exome Sequencing Project (ESP), and 1000 Genomes Project. In the ESP, this variant was not observed in 6502 samples (13004 alleles) with coverage at this position. This nucleotide position is highly conserved in available vertebrate species. Using the BDGP and ESEfinder splice site prediction tools, this alteration is not predicted to have any significant effect on this splice donor site; however, direct evidence is unavailable. In addition, this alteration is predicted to be tolerated by in silico analysis. Since supporting evidence is limited at this time, the clinical significance of this variant remains unclear.